The following is an entry in ClinVar:

ClinVar aggregate classification (germline): Uncertain significance (1 of 4 stars; one submission).

Conditions:
Catecholaminergic polymorphic ventricular tachycardia 1. Also called: RYR2-Related Catecholaminergic Polymorphic Ventricular Tachycardia; VENTRICULAR TACHYCARDIA, STRESS-INDUCED POLYMORPHIC 1; VENTRICULAR TACHYCARDIA, CATECHOLAMINERGIC POLYMORPHIC, 1, WITH OR WITHOUT ATRIAL DYSFUNCTION AND/OR DILATED CARDIOMYOPATHY. Identifiers: Orphanet 3286, MedGen C1631597, MONDO:0011484, OMIM 604772.

Submission:

Labcorp Genetics (formerly Invitae), Labcorp
Classification: Uncertain significance for Catecholaminergic polymorphic ventricular tachycardia 1. Last evaluated: 2025-04-23. Review status: criteria provided, single submitter. Criteria: Invitae Variant Classification Sherloc (09022015). Collection method: clinical testing. Allele origin: germline.
Comment: This sequence change replaces leucine, which is neutral and non-polar, with valine, which is neutral and non-polar, at codon 1064 of the RYR2 protein (p.Leu1064Val). This variant is not present in population databases (gnomAD no frequency). This variant has not been reported in the literature in individuals affected with RYR2-related conditions. Invitae Evidence Modeling of protein sequence and biophysical properties (such as structural, functional, and spatial information, amino acid conservation, physicochemical variation, residue mobility, and thermodynamic stability) indicates that this missense variant is not expected to disrupt RYR2 protein function with a negative predictive value of 95%. In summary, the available evidence is currently insufficient to determine the role of this variant in disease. Therefore, it has been classified as a Variant of Uncertain Significance.

NM_001035.3(RYR2):c.3190T>G (p.Leu1064Val)

Gene: RYR2 (ryanodine receptor 2; plus strand). Cytogenetic location: 1q43.
Variant type: single nucleotide variant.
Coding change: c.3190T>G on transcript NM_001035.3 (MANE Select); coding-DNA position 3190, T replaced by G.
Protein change: p.Leu1064Val; replaces leucine 1064 with valine.
Molecular consequence: missense variant.
Genome position (GRCh38, 1-based): chr1:237,550,667, T>G. VCF-style: chr1-237550667-T-G. GRCh37 (hg19) VCF-style: chr1-237713967-T-G.
Other names: short protein forms L1064V.
Identifiers: ClinVar variation 4695793 (VCV004695793.1).